The following is an entry in ClinVar:

NM_000369.5(TSHR):c.1639G>A (p.Val547Ile)

Genes: TSHR (thyroid stimulating hormone receptor; plus strand), TSHR-AS1 (TSHR antisense RNA 1; minus strand). Cytogenetic location: 14q31.1.
Variant type: single nucleotide variant.
Coding change: c.1639G>A on transcript NM_000369.5 (MANE Select); coding-DNA position 1639, G replaced by A.
Protein change: p.Val547Ile; replaces valine 547 with isoleucine.
Molecular consequence: missense variant.
Genome position (GRCh38, 1-based): chr14:81,143,697, G>A. VCF-style: chr14-81143697-G-A. GRCh37 (hg19) VCF-style: chr14-81610041-G-A.
Other names: short protein forms V547I.
Identifiers: ClinVar variation 4689368 (VCV004689368.1).

ClinVar aggregate classification (germline): Uncertain significance (1 of 4 stars; one submission).

Submission:

Women's Health and Genetics/Laboratory Corporation of America, LabCorp
Classification: Uncertain significance. Last evaluated: 2026-01-15. Review status: criteria provided, single submitter. Criteria: LabCorp Variant Classification Summary - May 2015. Collection method: clinical testing. Allele origin: germline.
Comment: Variant summary: TSHR c.1639G>A (p.Val547Ile) results in a conservative amino acid change in the encoded protein sequence. Algorithms developed to predict the effect of missense changes on protein structure and function are either unavailable or do not agree on the potential impact of this missense change. The variant was absent in 251376 control chromosomes. The available data on variant occurrences in the general population are insufficient to allow any conclusion about variant significance. To our knowledge, no occurrence of c.1639G>A in individuals affected with TSHR-related conditions and no experimental evidence demonstrating its impact on protein function have been reported. No submitters have cited clinical-significance assessments for this variant to ClinVar. Based on the evidence outlined above, the variant was classified as uncertain significance.